The following is an entry in ClinVar:

NM_004360.5(CDH1):c.342C>T (p.Val114=)

Gene: CDH1 (cadherin 1; plus strand). Cytogenetic location: 16q22.1.
Variant type: single nucleotide variant.
Coding change: c.342C>T on transcript NM_004360.5 (MANE Select); coding-DNA position 342, C replaced by T.
Protein change: p.Val114=; no amino-acid change (valine 114 retained).
Molecular consequence: synonymous variant. On other transcripts: 5 prime UTR variant (2).
Genome position (GRCh38, 1-based): chr16:68,801,848, C>T. VCF-style: chr16-68801848-C-T. GRCh37 (hg19) VCF-style: chr16-68835751-C-T.
Other names: c.342C>T, p.Val114= (NM_001317184.2); c.-1274C>T (NM_001317185.2); c.-1478C>T (NM_001317186.2); c.342C>T (NM_004360.3).
Identifiers: ClinVar variation 921166 (VCV000921166.7), dbSNP rs1555514470, ClinGen allele CA496152691.

ClinVar aggregate classification (germline): Benign/Likely benign. Review status: criteria provided, multiple submitters, no conflicts (2 of 4 stars). 4 submissions from 4 submitters: Benign (1); Likely benign (3). Last evaluated 2026-03-13.

Conditions:
Hereditary cancer-predisposing syndrome. Also called: Tumor predisposition; Hereditary neoplastic syndrome; Hereditary Cancer Syndrome; Neoplastic Syndromes, Hereditary. Identifiers: Orphanet 140162, MedGen C0027672, MeSH D009386, MONDO:0015356.
Hereditary diffuse gastric adenocarcinoma (HDGC). Also called: DIFFUSE GASTRIC AND LOBULAR BREAST CANCER SYNDROME. Identifiers: Orphanet 26106, MedGen C1708349, MONDO:0007648, OMIM 137215.

Allele frequency attached by ClinVar (database versions not stated): gnomAD exomes 0.00001.
gnomAD v4.1: 3 of 1,614,236 alleles (0.00019%); highest among the groups gnomAD compares: South Asian, 0.0033%; 1 homozygote.

Submissions (4):

Ambry Genetics
Classification: Likely benign for Hereditary cancer-predisposing syndrome. Last evaluated: 2026-03-13. Review status: criteria provided, single submitter. Criteria: Ambry Variant Classification Scheme 2023. Collection method: clinical testing. Allele origin: germline.

Myriad Genetics, Inc.
Classification: Benign for Hereditary diffuse gastric adenocarcinoma. Last evaluated: 2024-09-12. Review status: criteria provided, single submitter. Criteria: Myriad Autosomal Dominant, Autosomal Recessive and X-Linked Classification Criteria (2023). Collection method: clinical testing. Allele origin: unknown.
Comment: This variant is considered benign. This variant is a silent/synonymous amino acid change and it is not expected to impact splicing.

Labcorp Genetics (formerly Invitae), Labcorp
Classification: Likely benign for Hereditary diffuse gastric adenocarcinoma. Last evaluated: 2023-11-02. Review status: criteria provided, single submitter. Criteria: Invitae Variant Classification Sherloc (09022015). Collection method: clinical testing. Allele origin: germline.

Color Diagnostics, LLC DBA Color Health
Classification: Likely benign for Hereditary cancer-predisposing syndrome. Last evaluated: 2018-12-10. Review status: criteria provided, single submitter. Criteria: ACMG Guidelines, 2015. Collection method: clinical testing. Allele origin: germline.